The following is an entry in ClinVar:

ClinVar aggregate classification (germline): Benign/Likely benign. Review status: criteria provided, multiple submitters, no conflicts (2 of 4 stars). 3 submissions from 3 submitters: Benign (2); Likely benign (1). Last evaluated 2026-06-01.

Allele frequency attached by ClinVar (database versions not stated): TOPMed 0.00426; ESP Exome Variant Server 0.00477; gnomAD 0.00518 and 0.00549; ExAC 0.00535; gnomAD exomes 0.00546 and 0.00570; 1000 Genomes Project 0.00280; 1000 Genomes Project 30x 0.00344.
gnomAD v4.1: 8,811 of 1,614,182 alleles (0.55%); highest among the groups gnomAD compares: Middle Eastern, 0.59%; 42 homozygotes.

Submissions (7):

CeGaT Center for Human Genetics Tuebingen
Classification: Likely benign. Last evaluated: 2026-06-01. Review status: criteria provided, single submitter. Criteria: CeGaT Center For Human Genetics Tuebingen Variant Classification Criteria Version 2. Collection method: clinical testing. Allele origin: germline. Affected: yes. Observed: 31 variant alleles.
Comment: RUSC2: BP4, BS2

Labcorp Genetics (formerly Invitae), Labcorp
Classification: Benign. Last evaluated: 2026-01-28. Review status: criteria provided, single submitter. Criteria: Invitae Variant Classification Sherloc (09022015). Collection method: clinical testing. Allele origin: germline.

Breakthrough Genomics
Classification: Benign. Review status: criteria provided, single submitter. Criteria: ACMG Guidelines, 2015. Collection method: not provided. Allele origin: germline. Inheritance: Autosomal recessive inheritance. Affected: yes.

Dr. Peter K. Rogan Lab, Western University
No classification provided (evidence only). Condition: Lung cancer. Review status: no classification provided. Collection method: in vitro. Allele origin: not applicable. Functional consequence: retained intron. Not counted in ClinVar's aggregate classification.

Dr. Peter K. Rogan Lab, Western University
No classification provided (evidence only). Condition: Colon adenocarcinoma. Review status: no classification provided. Collection method: in vitro. Allele origin: not applicable. Functional consequence: retained intron. Not counted in ClinVar's aggregate classification.

Dr. Peter K. Rogan Lab, Western University
No classification provided (evidence only). Condition: Colon adenocarcinoma. Review status: no classification provided. Collection method: in vitro. Allele origin: not applicable. Functional consequence: retained intron. Not counted in ClinVar's aggregate classification.

Dr. Peter K. Rogan Lab, Western University
No classification provided (evidence only). Condition: Cervical cancer. Review status: no classification provided. Collection method: in vitro. Allele origin: not applicable. Functional consequence: retained intron. Not counted in ClinVar's aggregate classification.

NM_014806.5(RUSC2):c.2416G>A (p.Glu806Lys)

Gene: RUSC2 (RUN and SH3 domain containing 2; plus strand). Cytogenetic location: 9p13.3.
Variant type: single nucleotide variant.
Coding change: c.2416G>A on transcript NM_014806.5 (MANE Select); coding-DNA position 2416, G replaced by A.
Protein change: p.Glu806Lys; replaces glutamic acid 806 with lysine.
Molecular consequence: missense variant. On other transcripts: 5 prime UTR variant (1), non-coding transcript variant (1).
Genome position (GRCh38, 1-based): chr9:35,555,461, G>A. VCF-style: chr9-35555461-G-A. GRCh37 (hg19) VCF-style: chr9-35555458-G-A.
Other names: c.2416G>A, p.Glu806Lys (NM_001135999.2); c.-219G>A (NM_001330740.2); short protein forms E806K.
Identifiers: ClinVar variation 771168 (VCV000771168.35), dbSNP rs41277053, ClinGen allele CA5043860.